The following is an entry in ClinVar:

NM_000170.3(GLDC):c.671G>A (p.Arg224His)

Gene: GLDC (glycine decarboxylase; minus strand). Cytogenetic location: 9p24.1.
Variant type: single nucleotide variant.
Coding change: c.671G>A on transcript NM_000170.3 (MANE Select); coding-DNA position 671, G replaced by A.
Protein change: p.Arg224His; replaces arginine 224 with histidine.
Molecular consequence: missense variant.
Genome position (GRCh38, 1-based): chr9:6,606,634, C>T on the plus strand (G>A on the coding strand, the complement: GLDC is on the minus strand). VCF-style: chr9-6606634-C-T. GRCh37 (hg19) VCF-style: chr9-6606634-C-T.
Other names: short protein forms R224H.
Identifiers: ClinVar variation 367200 (VCV000367200.22), dbSNP rs28617412, ClinGen allele CA4981041.

ClinVar aggregate classification (germline): Benign/Likely benign. Review status: criteria provided, multiple submitters, no conflicts (2 of 4 stars). 8 submissions from 8 submitters: Benign (4); Likely benign (2). 2 of the submissions do not count toward it. Last evaluated 2026-02-03.

Conditions:
GLDC-related disorder. Also called: GLDC-related condition.
Glycine encephalopathy. Also called: Nonketotic hyperglycinemia; Non-ketotic hyperglycinemia. Identifiers: Orphanet 407, MedGen C0751748, MONDO:0011612, HP:0008288.

Allele frequency attached by ClinVar (database versions not stated): gnomAD exomes 0.00304 and 0.00841; ExAC 0.00986; gnomAD 0.02144 and 0.02214; ESP Exome Variant Server 0.02322; TOPMed 0.02363; 1000 Genomes Project 30x 0.02998; 1000 Genomes Project 0.03055.
gnomAD v4.1: 7,893 of 1,608,656 alleles (0.49%); highest among the groups gnomAD compares: African/African-American, 6.8%; 221 homozygotes.

Submissions (8):

Labcorp Genetics (formerly Invitae), Labcorp
Classification: Benign for Glycine encephalopathy. Last evaluated: 2026-02-03. Review status: criteria provided, single submitter. Criteria: Invitae Variant Classification Sherloc (09022015). Collection method: clinical testing. Allele origin: germline.

Mayo Clinic Laboratories, Mayo Clinic
Classification: Benign. Last evaluated: 2023-05-05. Review status: criteria provided, single submitter. Criteria: ACMG Guidelines, 2015. Collection method: clinical testing. Allele origin: germline. Observed: 4 variant alleles.

GeneDx
Classification: Benign. Last evaluated: 2018-07-26. Review status: criteria provided, single submitter. Criteria: GeneDx Variant Classification Process June 2021. Collection method: clinical testing. Allele origin: germline. Affected: yes.

Athena Diagnostics
Classification: Benign. Last evaluated: 2017-06-29. Review status: criteria provided, single submitter. Criteria: Athena Diagnostics Criteria. Collection method: clinical testing. Allele origin: germline.

Illumina Laboratory Services, Illumina
Classification: Likely benign for Glycine encephalopathy 1. Last evaluated: 2017-04-28. Review status: criteria provided, single submitter. Criteria: ICSL Variant Classification Criteria 13 December 2019. Collection method: clinical testing. Allele origin: germline.
Comment: This variant was observed as part of a predisposition screen in an ostensibly healthy population. A literature search was performed for the gene, cDNA change, and amino acid change (where applicable). No publications were found based on this search. Allele frequency data from public databases allowed determination this variant is unlikely to cause disease. Therefore, this variant is classified as likely benign.

Breakthrough Genomics
Classification: Likely benign. Review status: criteria provided, single submitter. Criteria: ACMG Guidelines, 2015. Collection method: not provided. Allele origin: germline. Inheritance: Autosomal recessive inheritance. Affected: yes.

Natera, Inc.
Classification: Benign for Non-ketotic hyperglycinemia. Last evaluated: 2020-09-16. Review status: no assertion criteria provided. Collection method: clinical testing. Allele origin: germline. Not counted in ClinVar's aggregate classification.

PreventionGenetics, part of Exact Sciences
Classification: Benign for GLDC-related condition. Last evaluated: 2019-02-28. Review status: no assertion criteria provided. Collection method: clinical testing. Allele origin: germline. Not counted in ClinVar's aggregate classification.
Comment: This variant is classified as benign based on ACMG/AMP sequence variant interpretation guidelines (Richards et al. 2015 PMID: 25741868, with internal and published modifications).